The following is an entry in ClinVar:

NM_203447.4(DOCK8):c.6138C>G (p.Leu2046=)

Gene: DOCK8 (dedicator of cytokinesis 8; plus strand). Cytogenetic location: 9p24.3.
Variant type: single nucleotide variant.
Coding change: c.6138C>G on transcript NM_203447.4 (MANE Select); coding-DNA position 6138, C replaced by G.
Protein change: p.Leu2046=; no amino-acid change (leucine 2046 retained).
Molecular consequence: synonymous variant.
Genome position (GRCh38, 1-based): chr9:463,586, C>G. VCF-style: chr9-463586-C-G. GRCh37 (hg19) VCF-style: chr9-463586-C-G.
Other names: c.5838C>G, p.Leu1946= (NM_001190458.2); c.5934C>G, p.Leu1978= (NM_001193536.2).
Identifiers: ClinVar variation 383152 (VCV000383152.18), dbSNP rs139515839, ClinGen allele CA4959692.

ClinVar aggregate classification (germline): Likely benign. Review status: criteria provided, multiple submitters, no conflicts (2 of 4 stars). 4 submissions from 4 submitters: Likely benign (3). 1 of the submissions does not count toward it. Last evaluated 2025-12-22.

Conditions:
Combined immunodeficiency due to DOCK8 deficiency (HIES2). Also called: HIES autosomal recessive; Hyper-IgE recurrent infection syndrome, autosomal recessive; DOCK8 Deficiency; HYPER-IgE SYNDROME 2, AUTOSOMAL RECESSIVE, WITH RECURRENT INFECTIONS; HYPER-IgE RECURRENT INFECTION SYNDROME 2, AUTOSOMAL RECESSIVE. Identifiers: Orphanet 217390, MedGen C4722305, MONDO:0009478, OMIM 243700.
DOCK8-related disorder. Also called: DOCK8-related condition.

Allele frequency attached by ClinVar (database versions not stated): ExAC 0.00003; gnomAD exomes 0.00003; ESP Exome Variant Server 0.00008; gnomAD 0.00011; TOPMed 0.00011; 1000 Genomes Project 30x 0.00016; 1000 Genomes Project 0.00020.
gnomAD v4.1: 26 of 1,614,016 alleles (0.0016%); highest among the groups gnomAD compares: African/African-American, 0.027%; no homozygotes.

Submissions (4):

Labcorp Genetics (formerly Invitae), Labcorp
Classification: Likely benign for Combined immunodeficiency due to DOCK8 deficiency. Last evaluated: 2025-12-22. Review status: criteria provided, single submitter. Criteria: Invitae Variant Classification Sherloc (09022015). Collection method: clinical testing. Allele origin: germline.

Blueprint Genetics
Classification: Likely benign. Last evaluated: 2019-01-30. Review status: criteria provided, single submitter. Criteria: ACMG Guidelines, 2015. Collection method: clinical testing. Allele origin: germline.

GeneDx
Classification: Likely benign. Last evaluated: 2016-02-05. Review status: criteria provided, single submitter. Criteria: GeneDx Variant Classification (06012015). Collection method: clinical testing. Allele origin: germline. Affected: yes.
Comment: This variant is considered likely benign or benign based on one or more of the following criteria: it is a conservative change, it occurs at a poorly conserved position in the protein, it is predicted to be benign by multiple in silico algorithms, and/or has population frequency not consistent with disease.

PreventionGenetics, part of Exact Sciences
Classification: Likely benign for DOCK8-related condition. Last evaluated: 2024-08-15. Review status: no assertion criteria provided. Collection method: clinical testing. Allele origin: germline. Not counted in ClinVar's aggregate classification.
Comment: This variant is classified as likely benign based on ACMG/AMP sequence variant interpretation guidelines (Richards et al. 2015 PMID: 25741868, with internal and published modifications).